The following is an entry in ClinVar:

NM_003235.5(TG):c.3638C>A (p.Pro1213Gln)

Gene: TG (thyroglobulin; plus strand). Cytogenetic location: 8q24.22.
Variant type: single nucleotide variant.
Coding change: c.3638C>A on transcript NM_003235.5 (MANE Select); coding-DNA position 3638, C replaced by A.
Protein change: p.Pro1213Gln; replaces proline 1213 with glutamine.
Molecular consequence: missense variant.
Genome position (GRCh38, 1-based): chr8:132,906,691, C>A. VCF-style: chr8-132906691-C-A. GRCh37 (hg19) VCF-style: chr8-133918936-C-A.
Other names: short protein forms P1213Q.
Identifiers: ClinVar variation 1695829 (VCV001695829.2), dbSNP rs754194585, ClinGen allele CA372242926.
Genomic context (GRCh38, chr8:132,906,691, plus strand): 5'-CTCAGTCGTCCCGAGGCTGGGCAGGTGCCCACCACGGCTCCACTTTCCTTCTCCCAGGCC[C>A]GCGGTGTCCGCTGCCATTCAACGCGTCGGAGGTGGTTGGTGGAACAATCCTGTGTGAGAC-3'
Protein context (NP_003226.4, residues 1203-1223): VTGGQPACES[Pro1213Gln]RCPLPFNASE

ClinVar aggregate classification (germline): Uncertain significance (1 of 4 stars; one submission).

Submission:

GeneDx
Classification: Uncertain significance. Last evaluated: 2022-01-05. Review status: criteria provided, single submitter. Criteria: GeneDx Variant Classification Process June 2021. Collection method: clinical testing. Allele origin: germline. Affected: yes.
Comment: Not observed at significant frequency in large population cohorts (gnomAD); In silico analysis supports that this missense variant has a deleterious effect on protein structure/function; Has not been previously published as pathogenic or benign to our knowledge